The following is an entry in ClinVar:

NM_000660.7(TGFB1):c.604G>A (p.Gly202Arg)

Gene: TGFB1 (transforming growth factor beta 1; minus strand). Cytogenetic location: 19q13.2.
Variant type: single nucleotide variant.
Coding change: c.604G>A on transcript NM_000660.7 (MANE Select); coding-DNA position 604, G replaced by A.
Protein change: p.Gly202Arg; replaces glycine 202 with arginine.
Molecular consequence: missense variant.
Genome position (GRCh38, 1-based): chr19:41,344,777, C>T on the plus strand (G>A on the coding strand, the complement: TGFB1 is on the minus strand). VCF-style: chr19-41344777-C-T. GRCh37 (hg19) VCF-style: chr19-41850682-C-T.
Other names: short protein forms G202R.
Identifiers: ClinVar variation 1347627 (VCV001347627.7), dbSNP rs151105395, ClinGen allele CA9460056.

ClinVar aggregate classification (germline): Conflicting classifications of pathogenicity. Review status: criteria provided, conflicting classifications (1 of 4 stars). 2 submissions from 2 submitters: Uncertain significance (1); Likely benign (1). Last evaluated 2025-04-10.

Allele frequency attached by ClinVar (database versions not stated): gnomAD exomes 0.00003 and 0.00006; gnomAD 0.00004; ExAC 0.00005; TOPMed 0.00006; 1000 Genomes Project 30x 0.00016; 1000 Genomes Project 0.00020; ESP Exome Variant Server 0.00023.

Submissions (2):

Labcorp Genetics (formerly Invitae), Labcorp
Classification: Uncertain significance. Last evaluated: 2025-04-10. Review status: criteria provided, single submitter. Criteria: Invitae Variant Classification Sherloc (09022015). Collection method: clinical testing. Allele origin: germline.
Comment: This sequence change replaces glycine, which is neutral and non-polar, with arginine, which is basic and polar, at codon 202 of the TGFB1 protein (p.Gly202Arg). This variant is present in population databases (rs151105395, gnomAD 0.01%). This variant has not been reported in the literature in individuals affected with TGFB1-related conditions. ClinVar contains an entry for this variant (Variation ID: 1347627). Invitae Evidence Modeling of protein sequence and biophysical properties (such as structural, functional, and spatial information, amino acid conservation, physicochemical variation, residue mobility, and thermodynamic stability) indicates that this missense variant is not expected to disrupt TGFB1 protein function with a negative predictive value of 80%. In summary, the available evidence is currently insufficient to determine the role of this variant in disease. Therefore, it has been classified as a Variant of Uncertain Significance.

Blueprint Genetics
Classification: Likely benign. Last evaluated: 2023-12-13. Review status: criteria provided, single submitter. Criteria: ACMG Guidelines, 2015. Collection method: clinical testing. Allele origin: germline.